The following is an entry in ClinVar:

NM_000069.3(CACNA1S):c.4647dup (p.Lys1550fs)

Gene: CACNA1S (calcium voltage-gated channel subunit alpha1 S; minus strand). Cytogenetic location: 1q32.1.
Variant type: Duplication.
Coding change: c.4647dup on transcript NM_000069.3 (MANE Select); coding-DNA position 4647, one base duplicated (G; older notation c.4647dupG).
Protein change: p.Lys1550fs; shifts the reading frame from lysine 1550.
Molecular consequence: frameshift variant.
Genome position (GRCh38, 1-based): chr1:201,047,136, C duplicated on the plus strand (G on the coding strand, the reverse complement: CACNA1S is on the minus strand). VCF-style (leftmost placement, unchanged base first): chr1-201047135-T-TC. GRCh37 (hg19) VCF-style: chr1-201016263-T-TC.
Other names: short protein forms K1550fs.
Identifiers: ClinVar variation 4790830 (VCV004790830.1).
Genomic context (GRCh38, chr1:201,047,135, plus strand): 5'-AGTGGGGGAGCCCCTTGGAACATACCTGGATTGGGCTTACCTGGATCTGTACAATGTCCT[T>TC]CTTGGGCCGATAGCCATAATACTCCTCTTGGCGTTTCATGAACTTCCGGAAGTGCTCCTG-3'

ClinVar aggregate classification (germline): Pathogenic (1 of 4 stars; one submission).

Conditions:
Malignant hyperthermia, susceptibility to, 5 (MHS5). Also called: CACNA1S-Related Malignant Hyperthermia Susceptibility. Identifiers: Orphanet 423, MedGen C1866077, MONDO:0011163, OMIM 601887.
Hypokalemic periodic paralysis, type 1. Also called: HypoPP; Hypokalemic Periodic Paralysis Type 1 (AD). Identifiers: Orphanet 681, MedGen C3714580, MONDO:0042979, OMIM 170400.

Submission:

Labcorp Genetics (formerly Invitae), Labcorp
Classification: Pathogenic for Hypokalemic periodic paralysis, type 1; Malignant hyperthermia, susceptibility to, 5. Last evaluated: 2025-02-16. Review status: criteria provided, single submitter. Criteria: Invitae Variant Classification Sherloc (09022015). Collection method: clinical testing. Allele origin: germline.
Comment: This sequence change creates a premature translational stop signal (p.Lys1550Glufs*14) in the CACNA1S gene. It is expected to result in an absent or disrupted protein product. Loss-of-function variants in CACNA1S are known to be pathogenic (PMID: 26247046, 28012042). This variant is not present in population databases (gnomAD no frequency). This variant has not been reported in the literature in individuals affected with CACNA1S-related conditions. For these reasons, this variant has been classified as Pathogenic.

Literature cited by the submitters: PubMed 26247046; PubMed 28012042.